The following is an entry in ClinVar:

NM_005912.3(MC4R):c.368A>G (p.Asn123Ser)

Gene: MC4R (melanocortin 4 receptor; minus strand). Cytogenetic location: 18q21.32.
Variant type: single nucleotide variant.
Coding change: c.368A>G on transcript NM_005912.3 (MANE Select); coding-DNA position 368, A replaced by G.
Protein change: p.Asn123Ser; replaces asparagine 123 with serine.
Molecular consequence: missense variant.
Genome position (GRCh38, 1-based): chr18:60,371,982, T>C on the plus strand (A>G on the coding strand, the complement: MC4R is on the minus strand). VCF-style: chr18-60371982-T-C. GRCh37 (hg19) VCF-style: chr18-58039215-T-C.
Other names: short protein forms N123S.
Identifiers: ClinVar variation 790742 (VCV000790742.5), dbSNP rs761982475, ClinGen allele CA8980935.

ClinVar aggregate classification (germline): Conflicting classifications of pathogenicity. Review status: criteria provided, conflicting classifications (1 of 4 stars). 3 submissions from 3 submitters: Uncertain significance (2); Likely benign (1). Last evaluated 2026-05-21.

Conditions:
MC4R-related disorder. Also called: MC4R-related condition.

Allele frequency attached by ClinVar (database versions not stated): ExAC 0.00001; TOPMed 0.00002; gnomAD 0.00003; gnomAD exomes 0.00003 and 0.00007.

Submissions (3):

PreventionGenetics, part of Exact Sciences
Classification: Uncertain significance for MC4R-related condition. Last evaluated: 2026-05-21. Review status: criteria provided, single submitter. Criteria: ACMG Guidelines, 2015. Collection method: clinical testing. Allele origin: germline.
Comment: The MC4R c.368A>G variant is predicted to result in the amino acid substitution p.Asn123Ser. This variant was identified in the control population in a study of African American children with obesity, with the authors concluding it was not associated with obesity (Deliard et al. 2013. PubMed ID: 23505181). This variant is reported in 0.0062% of alleles in individuals of European (Non-Finnish) descent in gnomAD. At this time, the clinical significance of this variant is uncertain due to the absence of conclusive functional and genetic evidence.

GeneDx
Classification: Uncertain significance. Last evaluated: 2024-12-03. Review status: criteria provided, single submitter. Criteria: GeneDx Variant Classification Process June 2021. Collection method: clinical testing. Allele origin: germline. Affected: yes.
Comment: In silico analysis supports that this missense variant has a deleterious effect on protein structure/function; This variant is associated with the following publications: (PMID: 37601970, 34045736, 23505181, 32952152, 30926952)

Labcorp Genetics (formerly Invitae), Labcorp
Classification: Likely benign. Last evaluated: 2017-08-03. Review status: criteria provided, single submitter. Criteria: Invitae Variant Classification Sherloc (09022015). Collection method: clinical testing. Allele origin: germline.